The following is an entry in ClinVar:

ClinVar aggregate classification (germline): Pathogenic/Likely pathogenic. Review status: criteria provided, multiple submitters, no conflicts (2 of 4 stars). 3 submissions from 3 submitters: Pathogenic (2); Likely pathogenic (1). Last evaluated 2025-04-21.

Conditions:
Alstrom syndrome (ALMS). Identifiers: Orphanet 64, MedGen C0268425, MONDO:0008763, OMIM 203800.

Allele frequency attached by ClinVar (database versions not stated): gnomAD exomes below 0.00001 and 0.00002; ExAC 0.00001; gnomAD 0.00001; TOPMed 0.00001.

Submissions (3):

Natera, Inc.
Classification: Likely pathogenic for Alstrom syndrome. Last evaluated: 2025-04-21. Review status: criteria provided, single submitter. Criteria: Natera Variant Classification Schema (03/2026). Collection method: clinical testing. Allele origin: germline.
Comment: The c.363_366dupAGTA variant in ALMS1 is a frameshift variant predicted to shift the reading frame beginning at codon 123 and leads to a stop codon 6 codons downstream. This variant is expected to result in nonsense mediated decay, truncation, or a dysfunctional protein product. This variant is rare in the general population with a frequency below the threshold expected for the associated phenotype(s). Given the available evidence, this variant is classified as Likely Pathogenic.

Labcorp Genetics (formerly Invitae), Labcorp
Classification: Pathogenic for Alstrom syndrome. Last evaluated: 2024-08-20. Review status: criteria provided, single submitter. Criteria: Invitae Variant Classification Sherloc (09022015). Collection method: clinical testing. Allele origin: germline.
Comment: This sequence change creates a premature translational stop signal (p.Tyr123Serfs*6) in the ALMS1 gene. It is expected to result in an absent or disrupted protein product. Loss-of-function variants in ALMS1 are known to be pathogenic (PMID: 17594715). This variant is present in population databases (rs753301358, gnomAD 0.01%). This variant has not been reported in the literature in individuals affected with ALMS1-related conditions. ClinVar contains an entry for this variant (Variation ID: 403953). Algorithms developed to predict the effect of sequence changes on RNA splicing suggest that this variant may create or strengthen a splice site. For these reasons, this variant has been classified as Pathogenic.

Fulgent Genetics
Classification: Pathogenic for Alstrom syndrome. Last evaluated: 2022-05-17. Review status: criteria provided, single submitter. Criteria: ACMG Guidelines, 2015. Collection method: clinical testing. Allele origin: unknown.

Literature cited by the submitters: PubMed 17594715 (cited by Labcorp Genetics (formerly Invitae), Labcorp).

NM_001378454.1(ALMS1):c.360_363dup (p.Tyr122fs)

Gene: ALMS1 (ALMS1 centrosome and basal body associated protein; plus strand). Cytogenetic location: 2p13.1.
Variant type: Duplication.
Coding change: c.360_363dup on transcript NM_001378454.1 (MANE Select); coding-DNA positions 360 to 363, 4 bases duplicated (AGTA; older notation c.360_363dupAGTA).
Protein change: p.Tyr122fs; shifts the reading frame from tyrosine 122.
Molecular consequence: frameshift variant.
Genome position (GRCh38, 1-based): chr2:73,408,657-73,408,660, AGTA duplicated. VCF-style (leftmost placement, unchanged base first): chr2-73408656-T-TAGTA. GRCh37 (hg19) VCF-style: chr2-73635784-T-TAGTA.
Other names: c.363_366dup, p.Tyr123fs (NM_015120.4); c.363_366dupAGTA (NM_015120.4); short protein forms Y123fs, Y122fs.
Identifiers: ClinVar variation 403953 (VCV000403953.9), dbSNP rs753301358, ClinGen allele CA1712820.